The following is an entry in ClinVar:

NM_003079.5(SMARCE1):c.1178G>C (p.Ser393Thr)

Gene: SMARCE1 (SWI/SNF related BAF chromatin remodeling complex subunit E1; minus strand). Cytogenetic location: 17q21.2.
Variant type: single nucleotide variant.
Coding change: c.1178G>C on transcript NM_003079.5 (MANE Select); coding-DNA position 1178, G replaced by C.
Protein change: p.Ser393Thr; replaces serine 393 with threonine.
Molecular consequence: missense variant.
Genome position (GRCh38, 1-based): chr17:40,628,843, C>G on the plus strand (G>C on the coding strand, the complement: SMARCE1 is on the minus strand). VCF-style: chr17-40628843-C-G. GRCh37 (hg19) VCF-style: chr17-38785095-C-G.
Other names: short protein forms S393T.
Identifiers: ClinVar variation 3799004 (VCV003799004.1).

ClinVar aggregate classification (germline): Uncertain significance (1 of 4 stars; one submission).

Conditions:
Hereditary cancer-predisposing syndrome. Also called: Neoplastic Syndromes, Hereditary; Hereditary Cancer Syndrome; Tumor predisposition; Hereditary neoplastic syndrome. Identifiers: Orphanet 140162, MedGen C0027672, MeSH D009386, MONDO:0015356.

gnomAD v4.1: 1 of 1,613,882 alleles (0.000062%); highest among the groups gnomAD compares: Non-Finnish European, 0.000085%; no homozygotes.

Submission:

Ambry Genetics
Classification: Uncertain significance for Hereditary cancer-predisposing syndrome. Last evaluated: 2024-12-12. Review status: criteria provided, single submitter. Criteria: Ambry Variant Classification Scheme 2023. Collection method: clinical testing. Allele origin: germline.
Comment: The p.S393T variant (also known as c.1178G>C), located in coding exon 10 of the SMARCE1 gene, results from a G to C substitution at nucleotide position 1178. The serine at codon 393 is replaced by threonine, an amino acid with similar properties. This amino acid position is conserved. In addition, this alteration is predicted to be tolerated by in silico analysis. Based on the available evidence, the clinical significance of this variant remains unclear.